The following is an entry in ClinVar:

ClinVar aggregate classification (germline): Uncertain significance (1 of 4 stars; one submission).

Conditions:
Pheochromocytoma. Also called: MAX-Related Hereditary Paraganglioma-Pheochromocytoma Syndrome. Identifiers: Orphanet 29072, MedGen C0031511, MONDO:0008233, OMIM 171300, HP:0002666.
Gastrointestinal stromal tumor. Also called: Gastrointestinal stromal tumor, somatic; Gastrointestinal stroma tumor. Identifiers: Orphanet 44890, MedGen C0238198, MeSH D046152, MONDO:0011719, OMIM 606764, HP:0100723.
Pheochromocytoma/paraganglioma syndrome 4. Also called: CAROTID BODY TUMORS AND MULTIPLE EXTRAADRENAL PHEOCHROMOCYTOMAS; PARAGANGLIOMA, FAMILIAL MALIGNANT; PARAGANGLIOMAS, HEREDITARY EXTRAADRENAL; PHEOCHROMOCYTOMA, FAMILIAL EXTRAADRENAL; Paragangliomas 4; SDHB-Related Hereditary Paraganglioma-Pheochromocytoma Syndrome (Paragangliomas 4). Identifiers: Orphanet 29072, MedGen C1861848, MONDO:0007273, OMIM 115310.

Allele frequency attached by ClinVar (database versions not stated): gnomAD 0.00001; 1000 Genomes Project 30x 0.00016; 1000 Genomes Project 0.00020.
gnomAD v4.1: 1 of 1,613,946 alleles (0.000062%); highest among the groups gnomAD compares: South Asian, 0.0011%; no homozygotes.

Submission:

Labcorp Genetics (formerly Invitae), Labcorp
Classification: Uncertain significance for Gastrointestinal stromal tumor; Pheochromocytoma/paraganglioma syndrome 4; Pheochromocytoma. Last evaluated: 2023-04-28. Review status: criteria provided, single submitter. Criteria: Invitae Variant Classification Sherloc (09022015). Collection method: clinical testing. Allele origin: germline.
Comment: In summary, the available evidence is currently insufficient to determine the role of this variant in disease. Therefore, it has been classified as a Variant of Uncertain Significance. Advanced modeling of protein sequence and biophysical properties (such as structural, functional, and spatial information, amino acid conservation, physicochemical variation, residue mobility, and thermodynamic stability) performed at Invitae indicates that this missense variant is expected to disrupt SDHB protein function. This variant has not been reported in the literature in individuals affected with SDHB-related conditions. This variant is not present in population databases (gnomAD no frequency). This sequence change replaces isoleucine, which is neutral and non-polar, with threonine, which is neutral and polar, at codon 79 of the SDHB protein (p.Ile79Thr).

NM_003000.3(SDHB):c.236T>C (p.Ile79Thr)

Gene: SDHB (succinate dehydrogenase complex iron sulfur subunit B; minus strand). Cytogenetic location: 1p36.13.
Variant type: single nucleotide variant.
Coding change: c.236T>C on transcript NM_003000.3 (MANE Select); coding-DNA position 236, T replaced by C.
Protein change: p.Ile79Thr; replaces isoleucine 79 with threonine.
Molecular consequence: missense variant.
Genome position (GRCh38, 1-based): chr1:17,033,110, A>G on the plus strand (T>C on the coding strand, the complement: SDHB is on the minus strand). VCF-style: chr1-17033110-A-G. GRCh37 (hg19) VCF-style: chr1-17359605-A-G.
Other names: c.236T>C, p.Ile79Thr (NM_001407361.1); short protein forms I79T.
Identifiers: ClinVar variation 2947224 (VCV002947224.3), dbSNP rs572028124, ClinGen allele CA18669746.